The following is an entry in ClinVar:

ClinVar aggregate classification (germline): Uncertain significance (1 of 4 stars; one submission).

Submission:

GeneDx
Classification: Uncertain significance. Last evaluated: 2019-12-12. Review status: criteria provided, single submitter. Criteria: GeneDx Variant Classification Process June 2021. Collection method: clinical testing. Allele origin: germline. Affected: yes.
Comment: Not observed in large population cohorts (Lek et al., 2016); In silico analysis, which includes protein predictors and evolutionary conservation, supports that this variant does not alter protein structure/function; Has not been previously published as pathogenic or benign to our knowledge; This variant is associated with the following publications: (PMID: 32376792)

NM_000399.5(EGR2):c.322T>C (p.Tyr108His)

Gene: EGR2 (early growth response 2; minus strand). Cytogenetic location: 10q21.3.
Variant type: single nucleotide variant.
Coding change: c.322T>C on transcript NM_000399.5 (MANE Select); coding-DNA position 322, T replaced by C.
Protein change: p.Tyr108His; replaces tyrosine 108 with histidine.
Molecular consequence: missense variant.
Genome position (GRCh38, 1-based): chr10:62,814,316, A>G on the plus strand (T>C on the coding strand, the complement: EGR2 is on the minus strand). VCF-style: chr10-62814316-A-G. GRCh37 (hg19) VCF-style: chr10-64574076-A-G.
Other names: c.322T>C, p.Tyr108His (NM_001136177.3, NM_001136178.2); c.172T>C, p.Tyr58His (NM_001136179.3, NM_001321037.2); short protein forms Y108H, Y58H.
Identifiers: ClinVar variation 1315959 (VCV001315959.2), dbSNP rs2132707008, ClinGen allele CA377031438.